The following is an entry in ClinVar:

ClinVar aggregate classification (germline): Likely pathogenic (1 of 4 stars; one submission).

Conditions:
Ciliopathy. Also called: Ciliopathies. Identifiers: Orphanet 363250, MedGen C4277690, MONDO:0005308, MeSH D000072661.

Allele frequency attached by ClinVar (database versions not stated): TOPMed below 0.00001.

Submission:

Myriad Genetics, Inc.
Classification: Likely pathogenic for Ciliopathy. Last evaluated: 2021-12-01. Review status: criteria provided, single submitter. Criteria: Myriad Autosomal Dominant, Autosomal Recessive and X-Linked Classification Criteria (2023). Collection method: clinical testing. Allele origin: unknown.
Comment: NM_017777.3(MKS1):c.782G>A(W261*) is expected to be pathogenic in the context of MKS1-related disorders. This variant is predicted to lead to an abnormal or absent protein product due to the creation of a premature termination codon in MKS1, a gene where loss-of-function variants are known to be pathogenic. Please note: this variant was assessed in the context of healthy population screening.

NM_017777.4(MKS1):c.782G>A (p.Trp261Ter)

Gene: MKS1 (MKS transition zone complex subunit 1; minus strand). Cytogenetic location: 17q22.
Variant type: single nucleotide variant.
Coding change: c.782G>A on transcript NM_017777.4 (MANE Select); coding-DNA position 782, G replaced by A.
Protein change: p.Trp261Ter; replaces tryptophan 261 with a stop codon.
Molecular consequence: nonsense.
Genome position (GRCh38, 1-based): chr17:58,213,058, C>T on the plus strand (G>A on the coding strand, the complement: MKS1 is on the minus strand). VCF-style: chr17-58213058-C-T. GRCh37 (hg19) VCF-style: chr17-56290419-C-T.
Other names: c.173G>A, p.Trp58Ter (NM_001321268.2); c.782G>A, p.Trp261Ter (NM_001321269.2, NM_001330397.2, NM_001411113.1); short protein forms W261*, W58*.
Identifiers: ClinVar variation 1725139 (VCV001725139.3), dbSNP rs1968973786, ClinGen allele CA400326486.
Genomic context (GRCh38, chr17:58,213,058, plus strand): 5'-CGTTCCCGCTCCTCCTCCTCCGGCTGTGCGTGGGGGGAAACATTGTCGATCGTATATTTC[C>T]ACAGCTCCTGCTTCTCCCCCTCCGTCTCAATCCTGTAAGGTCAAAACCACAGAAAGGAGC-3'